The following is an entry in ClinVar:

NM_016507.4(CDK12):c.4295A>C (p.His1432Pro)

Gene: CDK12 (cyclin dependent kinase 12; plus strand). Cytogenetic location: 17q12.
Variant type: single nucleotide variant.
Coding change: c.4295A>C on transcript NM_016507.4 (MANE Select); coding-DNA position 4295, A replaced by C.
Protein change: p.His1432Pro; replaces histidine 1432 with proline.
Molecular consequence: missense variant.
Genome position (GRCh38, 1-based): chr17:39,531,138, A>C. VCF-style: chr17-39531138-A-C. GRCh37 (hg19) VCF-style: chr17-37687391-A-C.
Other names: c.4268A>C, p.His1423Pro (NM_015083.4); short protein forms H1423P, H1432P.
Identifiers: ClinVar variation 4868539 (VCV004868539.1).

ClinVar aggregate classification (germline): Uncertain significance (1 of 4 stars; one submission).

Submission:

Ambry Genetics
Classification: Uncertain significance. Last evaluated: 2026-05-15. Review status: criteria provided, single submitter. Criteria: Ambry Variant Classification Scheme 2023. Collection method: clinical testing. Allele origin: germline.
Comment: The p.H1432P variant (also known as c.4295A>C), located in coding exon 14 of the CDK12 gene, results from an A to C substitution at nucleotide position 4295. The histidine at codon 1432 is replaced by proline, an amino acid with similar properties. This amino acid position is conserved. In addition, the in silico prediction for this alteration is inconclusive. Based on the available evidence, the clinical significance of this variant remains unclear.